The following is an entry in ClinVar:

ClinVar aggregate classification (germline): Likely benign. Review status: criteria provided, single submitter (1 of 4 stars). 2 submissions from 2 submitters: Likely benign (1). 1 of the submissions does not count toward it. Last evaluated 2022-09-13.

Conditions:
ADGRV1-related disorder. Also called: ADGRV1-related condition; ADGRV1-related disorders.

Allele frequency attached by ClinVar (database versions not stated): gnomAD 0.00002; TOPMed 0.00002; ExAC 0.00004; gnomAD exomes 0.00005.
gnomAD v4.1: 79 of 1,612,032 alleles (0.0049%); highest among the groups gnomAD compares: Non-Finnish European, 0.0064%; no homozygotes.

Submissions (2):

Blueprint Genetics
Classification: Likely benign. Last evaluated: 2022-09-13. Review status: criteria provided, single submitter. Criteria: ACMG Guidelines, 2015. Collection method: clinical testing. Allele origin: germline.

PreventionGenetics, part of Exact Sciences
Classification: Likely benign for ADGRV1-related condition. Last evaluated: 2019-08-09. Review status: no assertion criteria provided. Collection method: clinical testing. Allele origin: germline. Not counted in ClinVar's aggregate classification.
Comment: This variant is classified as likely benign based on ACMG/AMP sequence variant interpretation guidelines (Richards et al. 2015 PMID: 25741868, with internal and published modifications).

NM_032119.4(ADGRV1):c.16032G>A (p.Glu5344=)

Gene: ADGRV1 (adhesion G protein-coupled receptor V1; plus strand). Cytogenetic location: 5q14.3.
Variant type: single nucleotide variant.
Coding change: c.16032G>A on transcript NM_032119.4 (MANE Select); coding-DNA position 16032, G replaced by A.
Protein change: p.Glu5344=; no amino-acid change (glutamic acid 5344 retained).
Molecular consequence: synonymous variant. On other transcripts: non-coding transcript variant (1).
Genome position (GRCh38, 1-based): chr5:90,811,292, G>A. VCF-style: chr5-90811292-G-A. GRCh37 (hg19) VCF-style: chr5-90107109-G-A.
Identifiers: ClinVar variation 3035555 (VCV003035555.3), dbSNP rs757054226, ClinGen allele CA3342024.